The following is an entry in ClinVar:

NM_024664.4(PPCS):c.309C>A (p.Ser103=)

Genes: CCDC30 (coiled-coil domain containing 30; plus strand), PPCS (phosphopantothenoylcysteine synthetase; plus strand), LOC129930344 (ATAC-STARR-seq lymphoblastoid active region 894; plus strand). Cytogenetic location: 1p34.2.
Variant type: single nucleotide variant.
Coding change: c.309C>A on transcript NM_024664.4 (MANE Select); coding-DNA position 309, C replaced by A.
Protein change: p.Ser103=; no amino-acid change (serine 103 retained).
Molecular consequence: synonymous variant. On other transcripts: 5 prime UTR variant (1), intron variant (6).
Genome position (GRCh38, 1-based): chr1:42,456,874, C>A. VCF-style: chr1-42456874-C-A. GRCh37 (hg19) VCF-style: chr1-42922545-C-A.
Other names: p.Ser103=; c.-384C>A (NM_001287510.2); c.309C>A, p.Ser103= (NM_001287511.2); c.-983-373C>A (NM_001355226.2); c.-327-373C>A (NM_001287507.1); c.-11-373C>A (NM_001287506.1); c.-12+150C>A (NM_001287508.2); c.-12+246C>A (NM_001077447.3); and 1 more.
Identifiers: ClinVar variation 1566758 (VCV001566758.12), dbSNP rs7524895, ClinGen allele CA799946.

ClinVar aggregate classification (germline): Benign. Review status: criteria provided, multiple submitters, no conflicts (2 of 4 stars). 5 submissions from 5 submitters: Benign (4). 1 of the submissions does not count toward it. Last evaluated 2026-02-03.

Conditions:
PPCS-related disorder. Also called: PPCS-related condition.

Allele frequency attached by ClinVar (database versions not stated): ESP Exome Variant Server 0.01545; ExAC 0.00421; 1000 Genomes Project 30x 0.01889; gnomAD exomes 0.00339; 1000 Genomes Project 0.01717.
gnomAD v4.1: 4,261 of 1,613,328 alleles (0.26%); highest among the groups gnomAD compares: African/African-American, 5.2%; 98 homozygotes.

Submissions (5):

Labcorp Genetics (formerly Invitae), Labcorp
Classification: Benign. Last evaluated: 2026-02-03. Review status: criteria provided, single submitter. Criteria: Invitae Variant Classification Sherloc (09022015). Collection method: clinical testing. Allele origin: germline.

Molecular Diagnostic Laboratory for Inherited Cardiovascular Disease, Montreal Heart Institute
Classification: Benign. Last evaluated: 2025-04-09. Review status: criteria provided, single submitter. Criteria: ACMG Guidelines, 2015. Collection method: clinical testing. Allele origin: germline. Affected: no.

Mayo Clinic Laboratories, Mayo Clinic
Classification: Benign. Last evaluated: 2023-05-18. Review status: criteria provided, single submitter. Criteria: ACMG Guidelines, 2015. Collection method: clinical testing. Allele origin: germline. Observed: 8 variant alleles.

Breakthrough Genomics
Classification: Benign. Review status: criteria provided, single submitter. Criteria: ACMG Guidelines, 2015. Collection method: not provided. Allele origin: germline. Inheritance: Autosomal recessive inheritance. Affected: yes.

PreventionGenetics, part of Exact Sciences
Classification: Benign for PPCS-related condition. Last evaluated: 2019-02-22. Review status: no assertion criteria provided. Collection method: clinical testing. Allele origin: germline. Not counted in ClinVar's aggregate classification.
Comment: This variant is classified as benign based on ACMG/AMP sequence variant interpretation guidelines (Richards et al. 2015 PMID: 25741868, with internal and published modifications).